The following is an entry in ClinVar:

ClinVar aggregate classification (germline): Uncertain significance. Review status: criteria provided, multiple submitters, no conflicts (2 of 4 stars). 2 submissions from 2 submitters: Uncertain significance (2). Last evaluated 2025-06-23.

Conditions:
Van Maldergem syndrome 1 (VMLDS1). Also called: Van Maldergem syndrome 1 (VMLDS1). Identifiers: Orphanet 314679, MedGen C4551950, MONDO:0011070, OMIM 601390.

Allele frequency attached by ClinVar (database versions not stated): ExAC 0.00001; gnomAD 0.00001.
gnomAD v4.1: 60 of 1,613,810 alleles (0.0037%); highest among the groups gnomAD compares: Non-Finnish European, 0.0047%; no homozygotes.

Submissions (2):

Clinical Genomics Laboratory, Washington University in St. Louis
Classification: Uncertain significance for Van Maldergem syndrome 1. Last evaluated: 2025-06-23. Review status: criteria provided, single submitter. Criteria: ACMG Guidelines, 2015. Collection method: clinical testing. Allele origin: germline.
Comment: A DCHS1 c.2002A>G (p.Met668Val) variant was identified at a near heterozygous allelic fraction of 49.7%, a frequency that may be consistent with germline origin. This variant, to our knowledge, has not been reported in the medical literature. It has been reported in the ClinVar database as a germline variant of uncertain significance by one submitter (ClinVar Variation ID: 2898569). It is only observed in 60/1,613,810 alleles in the general population (gnomAD v.4.1.0), indicating it is not a common variant. Computational predictors suggest that the variant does not impact DCHS1 function. Due to limited information, and based on ACMG/AMP guidelines for variant interpretation (Richards S et al., PMID: 25741868), the clinical significance of this variant is uncertain at this time.

Labcorp Genetics (formerly Invitae), Labcorp
Classification: Uncertain significance. Last evaluated: 2024-08-08. Review status: criteria provided, single submitter. Criteria: Invitae Variant Classification Sherloc (09022015). Collection method: clinical testing. Allele origin: germline.
Comment: This sequence change replaces methionine, which is neutral and non-polar, with valine, which is neutral and non-polar, at codon 668 of the DCHS1 protein (p.Met668Val). This variant is present in population databases (rs776678365, gnomAD 0.002%). This variant has not been reported in the literature in individuals affected with DCHS1-related conditions. Advanced modeling of protein sequence and biophysical properties (such as structural, functional, and spatial information, amino acid conservation, physicochemical variation, residue mobility, and thermodynamic stability) performed at Invitae indicates that this missense variant is not expected to disrupt DCHS1 protein function with a negative predictive value of 80%. In summary, the available evidence is currently insufficient to determine the role of this variant in disease. Therefore, it has been classified as a Variant of Uncertain Significance.

NM_003737.4(DCHS1):c.2002A>G (p.Met668Val)

Gene: DCHS1 (dachsous cadherin-related 1; minus strand). Cytogenetic location: 11p15.4.
Variant type: single nucleotide variant.
Coding change: c.2002A>G on transcript NM_003737.4 (MANE Select); coding-DNA position 2002, A replaced by G.
Protein change: p.Met668Val; replaces methionine 668 with valine.
Molecular consequence: missense variant.
Genome position (GRCh38, 1-based): chr11:6,634,005, T>C on the plus strand (A>G on the coding strand, the complement: DCHS1 is on the minus strand). VCF-style: chr11-6634005-T-C. GRCh37 (hg19) VCF-style: chr11-6655236-T-C.
Other names: short protein forms M668V.
Identifiers: ClinVar variation 2898569 (VCV002898569.4), dbSNP rs776678365, ClinGen allele CA5860828.